The following is an entry in ClinVar:

ClinVar aggregate classification (germline): Benign/Likely benign. Review status: criteria provided, multiple submitters, no conflicts (2 of 4 stars). 3 submissions from 3 submitters: Benign (1); Likely benign (2). Last evaluated 2025-10-29.

Conditions:
Hereditary cancer-predisposing syndrome. Also called: Neoplastic Syndromes, Hereditary; Tumor predisposition; Hereditary Cancer Syndrome; Hereditary neoplastic syndrome. Identifiers: Orphanet 140162, MedGen C0027672, MeSH D009386, MONDO:0015356.
Hereditary diffuse gastric adenocarcinoma (HDGC). Also called: DIFFUSE GASTRIC AND LOBULAR BREAST CANCER SYNDROME. Identifiers: Orphanet 26106, MedGen C1708349, MONDO:0007648, OMIM 137215.

gnomAD v4.1: 2 of 1,613,786 alleles (0.00012%); highest among the groups gnomAD compares: Non-Finnish European, 0.00017%; no homozygotes.

Submissions (3):

Labcorp Genetics (formerly Invitae), Labcorp
Classification: Likely benign. Last evaluated: 2025-10-29. Review status: criteria provided, single submitter. Criteria: Invitae Variant Classification Sherloc (09022015). Collection method: clinical testing. Allele origin: germline.

Myriad Genetics, Inc.
Classification: Benign for Hereditary diffuse gastric adenocarcinoma. Last evaluated: 2024-10-15. Review status: criteria provided, single submitter. Criteria: Myriad Autosomal Dominant, Autosomal Recessive and X-Linked Classification Criteria (2023). Collection method: clinical testing. Allele origin: unknown.
Comment: This variant is considered benign. This variant is a silent/synonymous amino acid change and it is not expected to impact splicing.

Ambry Genetics
Classification: Likely benign for Hereditary cancer-predisposing syndrome. Last evaluated: 2020-08-31. Review status: criteria provided, single submitter. Criteria: Ambry Variant Classification Scheme 2023. Collection method: clinical testing. Allele origin: germline.

NM_001903.5(CTNNA1):c.2676C>T (p.Asn892=)

Gene: CTNNA1 (catenin alpha 1; plus strand). Cytogenetic location: 5q31.2.
Variant type: single nucleotide variant.
Coding change: c.2676C>T on transcript NM_001903.5 (MANE Select); coding-DNA position 2676, C replaced by T.
Protein change: p.Asn892=; no amino-acid change (asparagine 892 retained).
Molecular consequence: synonymous variant. On other transcripts: 3 prime UTR variant (5).
Genome position (GRCh38, 1-based): chr5:138,934,044, C>T. VCF-style: chr5-138934044-C-T. GRCh37 (hg19) VCF-style: chr5-138269733-C-T.
Other names: c.*221C>T (NM_001290307.3, NM_001324002.1, NM_001324003.1 and 2 more transcripts); c.2367C>T, p.Asn789= (NM_001290309.3); c.2307C>T, p.Asn769= (NM_001290310.3); c.1566C>T, p.Asn522= (NM_001290312.1, NM_001323987.1, NM_001323988.1 and 12 more transcripts); c.2676C>T, p.Asn892= (NM_001323982.2, NM_001323983.1, NM_001323984.2); c.2649C>T, p.Asn883= (NM_001323985.2); c.2583C>T, p.Asn861= (NM_001323986.2); c.1431C>T, p.Asn477= (NM_001324001.1); and 3 more.
Identifiers: ClinVar variation 1125093 (VCV001125093.12), dbSNP rs2150360275, ClinGen allele CA446793556.